The following is an entry in ClinVar:

NM_000038.6(APC):c.8042dup (p.Val2682fs)

Gene: APC (APC regulator of Wnt signaling pathway; plus strand). Cytogenetic location: 5q22.2.
Variant type: Duplication.
Coding change: c.8042dup on transcript NM_000038.6 (MANE Select); coding-DNA position 8042, one base duplicated (C; older notation c.8042dupC).
Protein change: p.Val2682fs; shifts the reading frame from valine 2682.
Molecular consequence: frameshift variant. On other transcripts: non-coding transcript variant (2).
Genome position (GRCh38, 1-based): chr5:112,843,636, C duplicated; the last of 5 consecutive C bases (chr5:112,843,632-112,843,636); duplicating any one gives the same sequence. VCF-style (leftmost placement, unchanged base first): chr5-112843631-T-TC. GRCh37 (hg19) VCF-style: chr5-112179328-T-TC.
Other names: c.8042dup, p.Val2682fs (NM_001127510.3, NM_001354895.2, NM_001407450.1); c.7988dup, p.Val2664fs (NM_001127511.3); c.8096dup, p.Val2700fs (NM_001354896.2, NM_001407447.1, NM_001407448.1 and 1 more transcripts); c.8072dup, p.Val2692fs (NM_001354897.2); c.7967dup, p.Val2657fs (NM_001354898.2); c.7958dup, p.Val2654fs (NM_001354899.2); c.7919dup, p.Val2641fs (NM_001354900.2); c.7865dup, p.Val2623fs (NM_001354901.2, NM_001407453.1); and 11 more; short protein forms V2591fs, V2599fs, V2657fs, V2675fs, V2682fs, V2692fs, V2556fs, V2654fs.
Identifiers: ClinVar variation 3929678 (VCV003929678.2).
Genomic context (GRCh38, chr5:112,843,631, plus strand): 5'-GAGAATTGAGGACTGTCCCATTAACAATCCTAGATCTGGAAGATCTCCCACAGGTAATAC[T>TC]CCCCCGGTGATTGACAGTGTTTCAGAAAAGGCAAATCCAAACATTAAAGATTCAAAAGAT-3'

ClinVar aggregate classification (germline): Likely pathogenic (1 of 4 stars; one submission).

Conditions:
Hereditary cancer-predisposing syndrome. Also called: Hereditary Cancer Syndrome; Hereditary neoplastic syndrome; Neoplastic Syndromes, Hereditary; Tumor predisposition. Identifiers: Orphanet 140162, MedGen C0027672, MeSH D009386, MONDO:0015356.

Submission:

Ambry Genetics
Classification: Likely pathogenic for Hereditary cancer-predisposing syndrome. Last evaluated: 2025-06-16. Review status: criteria provided, single submitter. Criteria: Ambry Variant Classification Scheme 2023. Collection method: clinical testing. Allele origin: germline.
Comment: The c.8042dupC (p.V2682Gfs*3) alteration, located in exon 16 (coding exon 15) of the APC gene, consists of a duplication of C at position 8042, causing a translational frameshift with a predicted alternate stop codon after 3 amino acids. This alteration occurs at the 3' terminus of the APC gene, is not expected to trigger nonsense-mediated mRNA decay, and only impacts the last 5.7% of the protein. However, premature stop codons are typically deleterious in nature, a significant portion of the protein is affected, and the impacted region is critical for protein function (Ambry internal data). This variant was not reported in population-based cohorts in the Genome Aggregation Database (gnomAD). Based on the available evidence, this alteration is classified as likely pathogenic.